The following is an entry in ClinVar:

ClinVar aggregate classification (germline): Likely benign (1 of 4 stars; one submission).

Conditions:
Congenital secretory diarrhea, chloride type (DIAR1). Also called: DIARRHEA 1, SECRETORY CHLORIDE, CONGENITAL; CHLORIDORRHEA, CONGENITAL; CHLORIDE DIARRHEA, CONGENITAL, FINNISH TYPE. Identifiers: Orphanet 53689, MedGen C0267662, MONDO:0008964, OMIM 214700.

Allele frequency attached by ClinVar (database versions not stated): gnomAD exomes 0.00018; gnomAD 0.00154 and 0.00168; TOPMed 0.00172; 1000 Genomes Project 30x 0.00250; 1000 Genomes Project 0.00260.
gnomAD v4.1: 357 of 820,316 alleles (0.044%); highest among the groups gnomAD compares: African/African-American, 0.5%; 1 homozygote.

Submission:

Illumina Laboratory Services, Illumina
Classification: Likely benign for Congenital secretory diarrhea, chloride type. Last evaluated: 2018-01-13. Review status: criteria provided, single submitter. Criteria: ICSL Variant Classification Criteria 13 December 2019. Collection method: clinical testing. Allele origin: germline.
Comment: This variant was observed in the ICSL laboratory as part of a predisposition screen in an ostensibly healthy population. It had not been previously curated by ICSL or reported in the Human Gene Mutation Database (HGMD: prior to June 1st, 2018), and was therefore a candidate for classification through an automated scoring system. Utilizing variant allele frequency, disease prevalence and penetrance estimates, and inheritance mode, an automated score was calculated to assess if this variant is too frequent to cause the disease. Based on the score and internal cut-off values, a variant classified as likely benign is not then subjected to further curation. The score for this variant resulted in a classification of likely benign for this disease.

NM_000111.3(SLC26A3):c.*113T>C

Gene: SLC26A3 (solute carrier family 26 member 3; minus strand). Cytogenetic location: 7q22.3.
Variant type: single nucleotide variant.
Coding change: c.*113T>C on transcript NM_000111.3 (MANE Select); 113 bases downstream of the stop codon, T replaced by C.
Molecular consequence: 3 prime UTR variant.
Genome position (GRCh38, 1-based): chr7:107,765,742, A>G on the plus strand (T>C on the coding strand, the complement: SLC26A3 is on the minus strand). VCF-style: chr7-107765742-A-G. GRCh37 (hg19) VCF-style: chr7-107406187-A-G.
Identifiers: ClinVar variation 911014 (VCV000911014.4), dbSNP rs192893142, ClinGen allele CA164222085.